The following is an entry in ClinVar:

NM_004370.6(COL12A1):c.3727T>G (p.Tyr1243Asp)

Gene: COL12A1 (collagen type XII alpha 1 chain; minus strand). Cytogenetic location: 6q13.
Variant type: single nucleotide variant.
Coding change: c.3727T>G on transcript NM_004370.6 (MANE Select); coding-DNA position 3727, T replaced by G.
Protein change: p.Tyr1243Asp; replaces tyrosine 1243 with aspartic acid.
Molecular consequence: missense variant.
Genome position (GRCh38, 1-based): chr6:75,152,239, A>C on the plus strand (T>G on the coding strand, the complement: COL12A1 is on the minus strand). VCF-style: chr6-75152239-A-C. GRCh37 (hg19) VCF-style: chr6-75861955-A-C.
Other names: c.3727T>G, p.Tyr1243Asp (NM_001424113.1, NM_001424114.1); c.3454T>G, p.Tyr1152Asp (NM_001424115.1); c.235T>G, p.Tyr79Asp (NM_001424116.1, NM_080645.3); short protein forms Y1152D, Y1243D, Y79D.
Identifiers: ClinVar variation 3907580 (VCV003907580.2).

ClinVar aggregate classification (germline): Uncertain significance. Review status: criteria provided, multiple submitters, no conflicts (2 of 4 stars). 2 submissions from 2 submitters: Uncertain significance (2). Last evaluated 2025-09-23.

Conditions:
Ullrich congenital muscular dystrophy 2 (UCMD2). Identifiers: Orphanet 75840, MedGen C4225314, MONDO:0014654, OMIM 616470.
Bethlem myopathy 2 (BTHLM2). Identifiers: Orphanet 536516, Orphanet 610, MedGen C4225313, MONDO:0034022, OMIM 616471.

Submissions (2):

Labcorp Genetics (formerly Invitae), Labcorp
Classification: Uncertain significance for Bethlem myopathy 2; Ullrich congenital muscular dystrophy 2. Last evaluated: 2025-09-23. Review status: criteria provided, single submitter. Criteria: Invitae Variant Classification Sherloc (09022015). Collection method: clinical testing. Allele origin: germline.
Comment: This sequence change replaces tyrosine, which is neutral and polar, with aspartic acid, which is acidic and polar, at codon 1243 of the COL12A1 protein (p.Tyr1243Asp). This variant is not present in population databases (gnomAD no frequency). This variant has not been reported in the literature in individuals affected with COL12A1-related conditions. ClinVar contains an entry for this variant (Variation ID: 3907580). Invitae Evidence Modeling of protein sequence and biophysical properties (such as structural, functional, and spatial information, amino acid conservation, physicochemical variation, residue mobility, and thermodynamic stability) indicates that this missense variant is expected to disrupt COL12A1 protein function with a positive predictive value of 80%. In summary, the available evidence is currently insufficient to determine the role of this variant in disease. Therefore, it has been classified as a Variant of Uncertain Significance.

Women's Health and Genetics/Laboratory Corporation of America, LabCorp
Classification: Uncertain significance. Last evaluated: 2025-06-23. Review status: criteria provided, single submitter. Criteria: LabCorp Variant Classification Summary - May 2015. Collection method: clinical testing. Allele origin: germline.
Comment: Variant summary: COL12A1 c.3727T>G (p.Tyr1243Asp) results in a non-conservative amino acid change in the encoded protein sequence. Algorithms developed to predict the effect of missense changes on protein structure and function all suggest that this variant is likely to be disruptive. The variant was absent in 248982 control chromosomes. The available data on variant occurrences in the general population are insufficient to allow any conclusion about variant significance. To our knowledge, no occurrence of c.3727T>G in individuals affected with Ullrich congenital muscular dystrophy 2 and no experimental evidence demonstrating its impact on protein function have been reported. No submitters have cited clinical-significance assessments for this variant to ClinVar. Based on the evidence outlined above, the variant was classified as uncertain significance.